The following is an entry in ClinVar:

NM_001365276.2(TNXB):c.3445+8A>G

Gene: TNXB (tenascin XB; minus strand). Cytogenetic location: 6p21.33.
Variant type: single nucleotide variant.
Coding change: c.3445+8A>G on transcript NM_001365276.2 (MANE Select); 8 bases into the intron after coding-DNA position 3445, A replaced by G.
Molecular consequence: intron variant.
Genome position (GRCh38, 1-based): chr6:32,084,405, T>C on the plus strand (A>G on the coding strand, the complement: TNXB is on the minus strand). VCF-style: chr6-32084405-T-C. GRCh37 (hg19) VCF-style: chr6-32052182-T-C.
Other names: p.?; c.3445+8A>G (NM_019105.8).
Identifiers: ClinVar variation 1218126 (VCV001218126.41), dbSNP rs201624002, ClinGen allele CA3735184.

ClinVar aggregate classification (germline): Benign/Likely benign. Review status: criteria provided, multiple submitters, no conflicts (2 of 4 stars). 10 submissions from 10 submitters: Benign (5); Likely benign (2). 3 of the submissions do not count toward it. Last evaluated 2026-08-01.

Conditions:
Ehlers-Danlos syndrome (EDS). Identifiers: Orphanet 98249, MedGen C0013720, MONDO:0020066.

Allele frequency attached by ClinVar (database versions not stated): 1000 Genomes Project 30x 0.00047; 1000 Genomes Project 0.00060; TOPMed 0.00154; ESP Exome Variant Server 0.00201; gnomAD exomes 0.00256 and 0.00364; gnomAD 0.00305 and 0.00326; ExAC 0.00446.
gnomAD v4.1: 4,064 of 1,578,870 alleles (0.26%); highest among the groups gnomAD compares: Non-Finnish European, 0.24%; 21 homozygotes.

Submissions (10):

CeGaT Center for Human Genetics Tuebingen
Classification: Benign. Last evaluated: 2026-08-01. Review status: criteria provided, single submitter. Criteria: CeGaT Center For Human Genetics Tuebingen Variant Classification Criteria Version 2. Collection method: clinical testing. Allele origin: germline. Affected: yes. Observed: 12 variant alleles.
Comment: TNXB: BP4, BS1, BS2

Labcorp Genetics (formerly Invitae), Labcorp
Classification: Benign. Last evaluated: 2026-01-28. Review status: criteria provided, single submitter. Criteria: Invitae Variant Classification Sherloc (09022015). Collection method: clinical testing. Allele origin: germline.

Women's Health and Genetics/Laboratory Corporation of America, LabCorp
Classification: Benign. Last evaluated: 2026-01-22. Review status: criteria provided, single submitter. Criteria: LabCorp Variant Classification Summary - May 2015. Collection method: clinical testing. Allele origin: germline.

Mayo Clinic Laboratories, Mayo Clinic
Classification: Benign. Last evaluated: 2023-04-13. Review status: criteria provided, single submitter. Criteria: ACMG Guidelines, 2015. Collection method: clinical testing. Allele origin: germline. Observed: 18 variant alleles.
Comment: BS1, BS2, BP4, BP7

Genome Diagnostics Laboratory, The Hospital for Sick Children
Classification: Benign for Ehlers-Danlos syndrome. Last evaluated: 2022-06-02. Review status: criteria provided, single submitter. Criteria: ACMG Guidelines, 2015. Collection method: clinical testing. Allele origin: germline.

GeneDx
Classification: Likely benign. Last evaluated: 2018-10-04. Review status: criteria provided, single submitter. Criteria: GeneDx Variant Classification Process June 2021. Collection method: clinical testing. Allele origin: germline. Affected: yes.

Breakthrough Genomics
Classification: Likely benign. Review status: criteria provided, single submitter. Criteria: ACMG Guidelines, 2015. Collection method: not provided. Allele origin: germline. Inheritance: Autosomal recessive inheritance. Affected: yes.

Clinical Genetics DNA and cytogenetics Diagnostics Lab, Erasmus MC, Erasmus Medical Center
Classification: Likely benign. Review status: no assertion criteria provided. Collection method: clinical testing. Allele origin: germline. Affected: yes. Study: VKGL Data-share Consensus. Not counted in ClinVar's aggregate classification.

Genome Diagnostics Laboratory, University Medical Center Utrecht
Classification: Likely benign. Review status: no assertion criteria provided. Collection method: clinical testing. Allele origin: germline. Affected: yes. Study: VKGL Data-share Consensus. Not counted in ClinVar's aggregate classification.

Joint Genome Diagnostic Labs from Nijmegen and Maastricht, Radboudumc and MUMC+
Classification: Likely benign. Review status: no assertion criteria provided. Collection method: clinical testing. Allele origin: germline. Affected: yes. Study: VKGL Data-share Consensus. Not counted in ClinVar's aggregate classification.